The following is an entry in ClinVar:

ClinVar aggregate classification (germline): Uncertain significance (1 of 4 stars; one submission).

Allele frequency attached by ClinVar (database versions not stated): gnomAD exomes below 0.00001; gnomAD 0.00001; 1000 Genomes Project 30x 0.00016; 1000 Genomes Project 0.00020.
gnomAD v4.1: 2 of 1,587,608 alleles (0.00013%); highest among the groups gnomAD compares: African/African-American, 0.0013%; no homozygotes.

Submission:

Labcorp Genetics (formerly Invitae), Labcorp
Classification: Uncertain significance. Last evaluated: 2022-09-12. Review status: criteria provided, single submitter. Criteria: Invitae Variant Classification Sherloc (09022015). Collection method: clinical testing. Allele origin: germline.
Comment: Algorithms developed to predict the effect of missense changes on protein structure and function are either unavailable or do not agree on the potential impact of this missense change (SIFT: "Deleterious"; PolyPhen-2: "Benign"; Align-GVGD: "Class C0"). In summary, the available evidence is currently insufficient to determine the role of this variant in disease. Therefore, it has been classified as a Variant of Uncertain Significance. This variant has not been reported in the literature in individuals affected with WNT5A-related conditions. This sequence change replaces leucine, which is neutral and non-polar, with proline, which is neutral and non-polar, at codon 27 of the WNT5A protein (p.Leu27Pro). This variant is present in population databases (rs149311661, gnomAD 0.008%). ClinVar contains an entry for this variant (Variation ID: 1363227).

NM_003392.7(WNT5A):c.80T>C (p.Leu27Pro)

Gene: WNT5A (Wnt family member 5A; minus strand). Cytogenetic location: 3p14.3.
Variant type: single nucleotide variant.
Coding change: c.80T>C on transcript NM_003392.7 (MANE Select); coding-DNA position 80, T replaced by C.
Protein change: p.Leu27Pro; replaces leucine 27 with proline.
Molecular consequence: missense variant.
Genome position (GRCh38, 1-based): chr3:55,480,845, A>G on the plus strand (T>C on the coding strand, the complement: WNT5A is on the minus strand). VCF-style: chr3-55480845-A-G. GRCh37 (hg19) VCF-style: chr3-55514873-A-G.
Other names: c.35T>C, p.Leu12Pro (NM_001256105.1, NM_001377271.1, NM_001377272.1); short protein forms L27P, L12P.
Identifiers: ClinVar variation 1363227 (VCV001363227.8), dbSNP rs149311661, ClinGen allele CA74906997.